The following is an entry in ClinVar:

ClinVar aggregate classification (germline): Uncertain significance (1 of 4 stars; one submission).

Conditions:
Primary dilated cardiomyopathy (DCM). Also called: Dilated Cardiomyopathy. Identifiers: Orphanet 217604, MedGen C0007193, MeSH D002311, MONDO:0005021, HP:0001644. Inheritance: Various modes of inheritance.
Hypertrophic cardiomyopathy. Also called: HYPERTROPHIC MYOCARDIOPATHY. Identifiers: Orphanet 217569, MedGen C0007194, MeSH D002312, MONDO:0005045, HP:0001639.

gnomAD v4.1: 2 of 1,612,914 alleles (0.00012%); highest among the groups gnomAD compares: South Asian, 0.0022%; no homozygotes.

Submission:

Labcorp Genetics (formerly Invitae), Labcorp
Classification: Uncertain significance for Hypertrophic cardiomyopathy; Primary dilated cardiomyopathy. Last evaluated: 2024-04-15. Review status: criteria provided, single submitter. Criteria: Invitae Variant Classification Sherloc (09022015). Collection method: clinical testing. Allele origin: germline.
Comment: This sequence change replaces glycine, which is neutral and non-polar, with glutamic acid, which is acidic and polar, at codon 298 of the PDLIM3 protein (p.Gly298Glu). This variant is present in population databases (rs775360491, gnomAD 0.003%). This variant has not been reported in the literature in individuals affected with PDLIM3-related conditions. ClinVar contains an entry for this variant (Variation ID: 1713697). Advanced modeling of protein sequence and biophysical properties (such as structural, functional, and spatial information, amino acid conservation, physicochemical variation, residue mobility, and thermodynamic stability) performed at Invitae indicates that this missense variant is not expected to disrupt PDLIM3 protein function with a negative predictive value of 80%. In summary, the available evidence is currently insufficient to determine the role of this variant in disease. Therefore, it has been classified as a Variant of Uncertain Significance.

NM_014476.6(PDLIM3):c.893G>A (p.Gly298Glu)

Gene: PDLIM3 (PDZ and LIM domain 3; minus strand). Cytogenetic location: 4q35.1.
Variant type: single nucleotide variant.
Coding change: c.893G>A on transcript NM_014476.6 (MANE Select); coding-DNA position 893, G replaced by A.
Protein change: p.Gly298Glu; replaces glycine 298 with glutamic acid.
Molecular consequence: missense variant. On other transcripts: non-coding transcript variant (1).
Genome position (GRCh38, 1-based): chr4:185,504,487, C>T on the plus strand (G>A on the coding strand, the complement: PDLIM3 is on the minus strand). VCF-style: chr4-185504487-C-T. GRCh37 (hg19) VCF-style: chr4-186425641-C-T.
Other names: c.749G>A, p.Gly250Glu (NM_001114107.5); c.629G>A, p.Gly210Glu (NM_001257962.2); c.392G>A, p.Gly131Glu (NM_001257963.2); short protein forms G131E, G210E, G250E, G298E.
Identifiers: ClinVar variation 1713697 (VCV001713697.6), dbSNP rs775360491, ClinGen allele CA3159654.